The following is an entry in ClinVar:

NM_000256.3(MYBPC3):c.3326C>A (p.Thr1109Asn)

Gene: MYBPC3 (myosin binding protein C3; minus strand). Cytogenetic location: 11p11.2.
Variant type: single nucleotide variant.
Coding change: c.3326C>A on transcript NM_000256.3 (MANE Select); coding-DNA position 3326, C replaced by A.
Protein change: p.Thr1109Asn; replaces threonine 1109 with asparagine.
Molecular consequence: missense variant.
Genome position (GRCh38, 1-based): chr11:47,333,198, G>T on the plus strand (C>A on the coding strand, the complement: MYBPC3 is on the minus strand). VCF-style: chr11-47333198-G-T. GRCh37 (hg19) VCF-style: chr11-47354749-G-T.
Other names: c.3326C>A, p.Thr1109Asn (LRG_386t1); short protein forms T1109N.
Identifiers: ClinVar variation 520450 (VCV000520450.7), dbSNP rs397516016, ClinGen allele CA380314020.
Genomic context (GRCh38, chr11:47,333,198, plus strand): 5'-CTGGGTCTGCCGGGCCTAGGCAGGGTGCACGTGGGGACCCCAGACCCTGGGCTCACCATG[G>T]TCTTCTTGTCGGCTTTCTGCACTGTGTACCCCCAGAGCTCCGTGTTGCCGACATCCTGGG-3'
Protein context (NP_000247.2, residues 1099-1119): GYTVQKADKK[Thr1109Asn]MEWFTVLEHY

ClinVar aggregate classification (germline): Uncertain significance. Review status: criteria provided, multiple submitters, no conflicts (2 of 4 stars). 5 submissions from 5 submitters: Uncertain significance (5). Last evaluated 2025-02-27.

Conditions:
Left ventricular noncompaction 10 (LVNC10). Identifiers: Orphanet 154, Orphanet 54260, MedGen C3715165, MONDO:0014163, OMIM 615396.
Hypertrophic cardiomyopathy 4. Also called: Familial hypertrophic cardiomyopathy 4. Identifiers: MedGen C1861862, MONDO:0007268, OMIM 115197.
Hypertrophic cardiomyopathy. Also called: HYPERTROPHIC MYOCARDIOPATHY. Identifiers: Orphanet 217569, MedGen C0007194, MeSH D002312, MONDO:0005045, HP:0001639.
Primary familial dilated cardiomyopathy (FDC). Also called: Familial dilated cardiomyopathy; Hypokinetic dilated cardiomyopathy, familial. Identifiers: Orphanet 217607, MedGen C0340427, MONDO:0016333.

gnomAD v4.1: 2 of 1,602,382 alleles (0.00012%); highest among the groups gnomAD compares: Non-Finnish European, 0.00017%; no homozygotes.

Submissions (5):

Labcorp Genetics (formerly Invitae), Labcorp
Classification: Uncertain significance for Hypertrophic cardiomyopathy. Last evaluated: 2025-02-27. Review status: criteria provided, single submitter. Criteria: Invitae Variant Classification Sherloc (09022015). Collection method: clinical testing. Allele origin: germline.
Comment: This sequence change replaces threonine, which is neutral and polar, with asparagine, which is neutral and polar, at codon 1109 of the MYBPC3 protein (p.Thr1109Asn). This variant is not present in population databases (gnomAD no frequency). This variant has not been reported in the literature in individuals affected with MYBPC3-related conditions. ClinVar contains an entry for this variant (Variation ID: 520450). An algorithm developed to predict the effect of missense changes on protein structure and function (PolyPhen-2) suggests that this variant is likely to be disruptive. In summary, the available evidence is currently insufficient to determine the role of this variant in disease. Therefore, it has been classified as a Variant of Uncertain Significance.

All of Us Research Program, National Institutes of Health
Classification: Uncertain significance for Hypertrophic cardiomyopathy. Last evaluated: 2023-11-20. Review status: criteria provided, single submitter. Criteria: ACMG Guidelines, 2015. Collection method: clinical testing. Allele origin: germline. Inheritance: Autosomal dominant inheritance. Observed: 1 variant allele, 1 heterozygote.
Comment: This missense variant replaces threonine with asparagine at codon 1109 of the MYBPC3 protein. Computational prediction tool indicates that this variant may have an uncertain impact on protein structure and function. To our knowledge, functional studies have not been reported for this variant. This variant has not been reported in individuals affected with MYBPC3-related disorders in the literature. This variant has not been identified in the general population by the Genome Aggregation Database (gnomAD). The available evidence is insufficient to determine the role of this variant in disease conclusively. Therefore, this variant is classified as a Variant of Uncertain Significance.

This study involves interpretation of variants in research participants for the purpose of population health screening. Participant phenotype was not available at the time of variant classification. Additional details can be found in publication PMID: 35346344, PMCID: PMC8962531

GeneDx
Classification: Uncertain significance. Last evaluated: 2022-12-29. Review status: criteria provided, single submitter. Criteria: GeneDx Variant Classification Process June 2021. Collection method: clinical testing. Allele origin: germline. Affected: yes.
Comment: Not observed at significant frequency in large population cohorts (gnomAD); In silico analysis supports that this missense variant has a deleterious effect on protein structure/function; Has not been previously published as pathogenic or benign to our knowledge

Fulgent Genetics
Classification: Uncertain significance for Hypertrophic cardiomyopathy 4; Left ventricular noncompaction 10. Last evaluated: 2021-07-17. Review status: criteria provided, single submitter. Criteria: ACMG Guidelines, 2015. Collection method: clinical testing. Allele origin: unknown.

Molecular Diagnostic Laboratory for Inherited Cardiovascular Disease, Montreal Heart Institute
Classification: Uncertain significance for Primary familial dilated cardiomyopathy. Last evaluated: 2017-04-28. Review status: criteria provided, single submitter. Criteria: ACMG Guidelines, 2015. Collection method: clinical testing. Allele origin: germline. Affected: yes.